The following is an entry in ClinVar:

NC_000019.9:g.(?_18893725)_(18902078_?)dup

Gene: COMP (cartilage oligomeric matrix protein; minus strand). Cytogenetic location: 19p13.11.
Variant type: Duplication.
Identifiers: ClinVar variation 1408989 (VCV001408989.4).

ClinVar aggregate classification (germline): Uncertain significance (1 of 4 stars; one submission).

Submission:

Labcorp Genetics (formerly Invitae), Labcorp
Classification: Uncertain significance. Last evaluated: 2021-07-13. Review status: criteria provided, single submitter. Criteria: Invitae Variant Classification Sherloc (09022015). Collection method: clinical testing. Allele origin: germline.
Comment: In summary, the available evidence is currently insufficient to determine the role of this variant in disease. Therefore, it has been classified as a Variant of Uncertain Significance. This variant has not been reported in the literature in individuals with COMP-related conditions. A copy number gain of the genomic region encompassing the full coding sequence of the COMP gene has been identified. The boundaries of this event are unknown as they extend beyond the assayed region for this gene and therefore may encompass additional genes. As the precise location of this event is unknown, it may be in tandem or it may be located elsewhere in the genome.